The following is an entry in ClinVar:

ClinVar aggregate classification (germline): Uncertain significance (1 of 4 stars; one submission).

Conditions:
Familial adenomatous polyposis 1 (FAP1). Also called: FAMILIAL ADENOMATOUS POLYPOSIS 1, ATTENUATED; POLYPOSIS, ADENOMATOUS INTESTINAL. Identifiers: MedGen C2713442, MONDO:0021056, OMIM 175100. Disease mechanism: loss of function.

Submission:

Labcorp Genetics (formerly Invitae), Labcorp
Classification: Uncertain significance for Familial adenomatous polyposis 1. Last evaluated: 2024-11-15. Review status: criteria provided, single submitter. Criteria: Invitae Variant Classification Sherloc (09022015). Collection method: clinical testing. Allele origin: germline.
Comment: This sequence change replaces arginine, which is basic and polar, with threonine, which is neutral and polar, at codon 2228 of the APC protein (p.Arg2228Thr). This variant is not present in population databases (gnomAD no frequency). This variant has not been reported in the literature in individuals affected with APC-related conditions. Invitae Evidence Modeling of protein sequence and biophysical properties (such as structural, functional, and spatial information, amino acid conservation, physicochemical variation, residue mobility, and thermodynamic stability) indicates that this missense variant is not expected to disrupt APC protein function with a negative predictive value of 95%. In summary, the available evidence is currently insufficient to determine the role of this variant in disease. Therefore, it has been classified as a Variant of Uncertain Significance.

NM_000038.6(APC):c.6683G>C (p.Arg2228Thr)

Gene: APC (APC regulator of Wnt signaling pathway; plus strand). Cytogenetic location: 5q22.2.
Variant type: single nucleotide variant.
Coding change: c.6683G>C on transcript NM_000038.6 (MANE Select); coding-DNA position 6683, G replaced by C.
Protein change: p.Arg2228Thr; replaces arginine 2228 with threonine.
Molecular consequence: missense variant. On other transcripts: non-coding transcript variant (2).
Genome position (GRCh38, 1-based): chr5:112,842,277, G>C. VCF-style: chr5-112842277-G-C. GRCh37 (hg19) VCF-style: chr5-112177974-G-C.
Other names: c.6683G>C, p.Arg2228Thr (NM_001127510.3, NM_001354895.2, NM_001407450.1); c.6629G>C, p.Arg2210Thr (NM_001127511.3); c.6737G>C, p.Arg2246Thr (NM_001354896.2, NM_001407447.1, NM_001407448.1 and 1 more transcripts); c.6560G>C, p.Arg2187Thr (NM_001354900.2); c.6713G>C, p.Arg2238Thr (NM_001354897.2); c.6608G>C, p.Arg2203Thr (NM_001354898.2); c.6506G>C, p.Arg2169Thr (NM_001354901.2, NM_001407453.1); c.6410G>C, p.Arg2137Thr (NM_001354902.2); and 11 more; short protein forms R2127T, R2145T, R2169T, R2203T, R1945T, R2137T, R2210T, R2228T.
Identifiers: ClinVar variation 3635505 (VCV003635505.1).